The following is an entry in ClinVar:

ClinVar aggregate classification (germline): Uncertain significance. Review status: criteria provided, multiple submitters, no conflicts (2 of 4 stars). 5 submissions from 5 submitters: Uncertain significance (5). Last evaluated 2026-07-27.

Conditions:
CDH1-related diffuse gastric and lobular breast cancer syndrome. Also called: CDH1-related diffuse gastric and lobular breast cancer. Identifiers: MedGen CN311521, MONDO:0100488.
Hereditary cancer-predisposing syndrome. Also called: Neoplastic Syndromes, Hereditary; Hereditary Cancer Syndrome; Tumor predisposition; Hereditary neoplastic syndrome. Identifiers: Orphanet 140162, MedGen C0027672, MeSH D009386, MONDO:0015356.
Hereditary diffuse gastric adenocarcinoma (HDGC). Also called: DIFFUSE GASTRIC AND LOBULAR BREAST CANCER SYNDROME. Identifiers: Orphanet 26106, MedGen C1708349, MONDO:0007648, OMIM 137215.

gnomAD v4.1: 3 of 1,614,162 alleles (0.00019%); highest among the groups gnomAD compares: East Asian, 0.0022%; no homozygotes.

Submissions (5):

Ambry Genetics
Classification: Uncertain significance for Hereditary cancer-predisposing syndrome. Last evaluated: 2026-07-27. Review status: criteria provided, single submitter. Criteria: Ambry Variant Classification Scheme 2023. Collection method: clinical testing. Allele origin: germline.
Comment: The p.I96F variant (also known as c.286A>T), located in coding exon 3 of the CDH1 gene, results from an A to T substitution at nucleotide position 286. The isoleucine at codon 96 is replaced by phenylalanine, an amino acid with highly similar properties. This amino acid position is poorly conserved in available vertebrate species. In addition, this alteration is predicted to be tolerated by in silico analysis. Based on the available evidence, the clinical significance of this variant remains unclear.

Labcorp Genetics (formerly Invitae), Labcorp
Classification: Uncertain significance for Hereditary diffuse gastric adenocarcinoma. Last evaluated: 2025-10-13. Review status: criteria provided, single submitter. Criteria: Invitae Variant Classification Sherloc (09022015). Collection method: clinical testing. Allele origin: germline.
Comment: This sequence change replaces isoleucine, which is neutral and non-polar, with phenylalanine, which is neutral and non-polar, at codon 96 of the CDH1 protein (p.Ile96Phe). This variant is not present in population databases (gnomAD no frequency). This missense change has been observed in individual(s) with breast cancer (PMID: 28580595). ClinVar contains an entry for this variant (Variation ID: 185707). An algorithm developed to predict the effect of missense changes on protein structure and function (PolyPhen-2) suggests that this variant is likely to be tolerated. In summary, the available evidence is currently insufficient to determine the role of this variant in disease. Therefore, it has been classified as a Variant of Uncertain Significance.

Women's Health and Genetics/Laboratory Corporation of America, LabCorp
Classification: Uncertain significance. Last evaluated: 2025-09-19. Review status: criteria provided, single submitter. Criteria: LabCorp Variant Classification Summary - May 2015. Collection method: clinical testing. Allele origin: germline.
Comment: Variant summary: CDH1 c.286A>T (p.Ile96Phe) results in a non-conservative amino acid change located in the prodomain (IPR014868) of the encoded protein sequence. Algorithms developed to predict the effect of missense changes on protein structure and function are either unavailable or do not agree on the potential impact of this missense change. The variant was absent in 251330 control chromosomes (gnomAD). The available data on variant occurrences in the general population are insufficient to allow any conclusion about variant significance. c.286A>T has been reported in the literature in an individual affected Breast Cancer (Xie_2018). However, a recent large-scale Breast Cancer study reported the variant in 4/60466 cases and 5/53461 controls, i.e. with a calculated odds ratio of 0.7, which suggests that this variant is not associated with a risk for Breast Cancer (Dorling_2021). To our knowledge, no experimental evidence demonstrating an impact on protein function has been reported. The following publications have been ascertained in the context of this evaluation (PMID: 33471991, 28580595). ClinVar contains an entry for this variant (Variation ID: 185707). Based on the evidence outlined above, the variant was classified as uncertain significance.

Department of Pathology and Laboratory Medicine, Sinai Health System
Classification: Uncertain significance for CDH1-related diffuse gastric and lobular breast cancer syndrome. Last evaluated: 2025-01-13. Review status: criteria provided, single submitter. Criteria: ACMG Guidelines, 2015. Collection method: clinical testing. Allele origin: germline.

Color Diagnostics, LLC DBA Color Health
Classification: Uncertain significance for Hereditary cancer-predisposing syndrome. Last evaluated: 2020-11-17. Review status: criteria provided, single submitter. Criteria: ACMG Guidelines, 2015. Collection method: clinical testing. Allele origin: germline.
Comment: This missense variant replaces isoleucine with phenylalanine at codon 96 of the CDH1 protein. To our knowledge, functional studies have not been reported for this variant. This variant has been reported in an individual affected with breast cancer (PMID: 28580595). This variant has not been identified in the general population by the Genome Aggregation Database (gnomAD). The available evidence is insufficient to determine the role of this variant in disease conclusively. Therefore, this variant is classified as a Variant of Uncertain Significance.

Literature cited by the submitters: PubMed 28580595 (cited by Labcorp Genetics (formerly Invitae), Labcorp and Women's Health and Genetics/Laboratory Corporation of America, LabCorp); PubMed 33471991 (cited by Women's Health and Genetics/Laboratory Corporation of America, LabCorp and Department of Pathology and Laboratory Medicine, Sinai Health System).

NM_004360.5(CDH1):c.286A>T (p.Ile96Phe)

Gene: CDH1 (cadherin 1; plus strand). Cytogenetic location: 16q22.1.
Variant type: single nucleotide variant.
Coding change: c.286A>T on transcript NM_004360.5 (MANE Select); coding-DNA position 286, A replaced by T.
Protein change: p.Ile96Phe; replaces isoleucine 96 with phenylalanine.
Molecular consequence: missense variant. On other transcripts: 5 prime UTR variant (2).
Genome position (GRCh38, 1-based): chr16:68,801,792, A>T. VCF-style: chr16-68801792-A-T. GRCh37 (hg19) VCF-style: chr16-68835695-A-T.
Other names: c.286A>T, p.Ile96Phe (NM_001317184.2); c.-1330A>T (NM_001317185.2); c.-1534A>T (NM_001317186.2); c.286A>T (LRG_301t1); short protein forms I96F.
Identifiers: ClinVar variation 185707 (VCV000185707.22), dbSNP rs749306433, ClinGen allele CA192684.
Genomic context (GRCh38, chr16:68,801,792, plus strand): 5'-AAAGTGGGCACAGATGGTGTGATTACAGTCAAAAGGCCTCTACGGTTTCATAACCCACAG[A>T]TCCATTTCTTGGTCTACGCCTGGGACTCCACCTACAGAAAGTTTTCCACCAAAGTCACGC-3'
Protein context (NP_004351.1, residues 86-106): KRPLRFHNPQ[Ile96Phe]HFLVYAWDST